The following is an entry in ClinVar:

NM_001290321.3(DMXL1):c.4377A>C (p.Leu1459Phe)

Gene: DMXL1 (Dmx like 1; plus strand). Cytogenetic location: 5q23.1.
Variant type: single nucleotide variant.
Coding change: c.4377A>C on transcript NM_001290321.3 (MANE Select); coding-DNA position 4377, A replaced by C.
Protein change: p.Leu1459Phe; replaces leucine 1459 with phenylalanine.
Molecular consequence: missense variant. On other transcripts: non-coding transcript variant (3).
Genome position (GRCh38, 1-based): chr5:119,150,204, A>C. VCF-style: chr5-119150204-A-C. GRCh37 (hg19) VCF-style: chr5-118485899-A-C.
Other names: c.4377A>C, p.Leu1459Phe (NM_001349239.2, NM_001349240.2, NM_001387933.1 and 2 more transcripts); c.3672A>C, p.Leu1224Phe (NM_001387937.1); c.3390A>C, p.Leu1130Phe (NM_001387938.1); short protein forms L1130F, L1224F, L1459F.
Identifiers: ClinVar variation 2637408 (VCV002637408.1), dbSNP rs2533784927, ClinGen allele CA360856983.
Genomic context (GRCh38, chr5:119,150,204, plus strand): 5'-TAAAGAAAGTTATGATGAGCTTTTTCAGACTCAACTTCTAATGACTGATACTCATATGTT[A>C]GAGACAGATGAAGAAAATACAAAGCCTAGAGTTATTGACCTTTCACAGTACAGTCCGACT-3'
Protein context (NP_001277250.1, residues 1449-1469): TQLLMTDTHM[Leu1459Phe]ETDEENTKPR

ClinVar aggregate classification (germline): Uncertain significance (1 of 4 stars; one submission).

Conditions:
DMXL1-related disorder. Also called: DMXL1-related condition.

Submission:

PreventionGenetics, part of Exact Sciences
Classification: Uncertain significance for DMXL1-related condition. Last evaluated: 2022-10-05. Review status: criteria provided, single submitter. Criteria: ACMG Guidelines, 2015. Collection method: clinical testing. Allele origin: germline.
Comment: The DMXL1 c.4377A>C variant is predicted to result in the amino acid substitution p.Leu1459Phe. To our knowledge, this variant has not been reported in the literature or in a large population database, indicating this variant is rare. At this time, the clinical significance of this variant is uncertain due to the absence of conclusive functional and genetic evidence.